The following is an entry in ClinVar:

ClinVar aggregate classification (germline): Likely pathogenic (1 of 4 stars; one submission).

Conditions:
LAMA2-related muscular dystrophy (LAMA2-RD). Also called: Laminin alpha 2-related dystrophy. Identifiers: MedGen C5679788, MONDO:0100228.

Submission:

Myriad Genetics, Inc.
Classification: Likely pathogenic for LAMA2-related muscular dystrophy. Last evaluated: 2022-03-31. Review status: criteria provided, single submitter. Criteria: Myriad Autosomal Dominant, Autosomal Recessive and X-Linked Classification Criteria (2023). Collection method: clinical testing. Allele origin: unknown.
Comment: NM_000426.3(LAMA2):c.2471T>A(L824*) is expected to be pathogenic in the context of muscular dystrophy, LAMA2-related. This variant is predicted to lead to an abnormal or absent protein product due to the creation of a premature termination codon in LAMA2, a gene where loss-of-function variants are known to be pathogenic. Please note: this variant was assessed in the context of healthy population screening.

NM_000426.4(LAMA2):c.2471T>A (p.Leu824Ter)

Gene: LAMA2 (laminin subunit alpha 2; plus strand). Cytogenetic location: 6q22.33.
Variant type: single nucleotide variant.
Coding change: c.2471T>A on transcript NM_000426.4 (MANE Select); coding-DNA position 2471, T replaced by A.
Protein change: p.Leu824Ter; replaces leucine 824 with a stop codon.
Molecular consequence: nonsense.
Genome position (GRCh38, 1-based): chr6:129,280,081, T>A. VCF-style: chr6-129280081-T-A. GRCh37 (hg19) VCF-style: chr6-129601226-T-A.
Other names: c.2471T>A, p.Leu824Ter (NM_001079823.2); short protein forms L824*.
Identifiers: ClinVar variation 1725692 (VCV001725692.3), dbSNP rs2482251798, ClinGen allele CA365609312.